The following is an entry in ClinVar:

NM_017946.3(FKBP14):c.-597A>G

Genes: FKBP14 (FKBP prolyl isomerase 14; minus strand), FKBP14-AS1 (FKBP14 antisense RNA 1; plus strand), LOC129998170 (ATAC-STARR-seq lymphoblastoid active region 25803; plus strand). Cytogenetic location: 7p14.3.
Variant type: single nucleotide variant.
Coding change: c.-597A>G on transcript NM_017946.3; 597 bases upstream of the start codon, A replaced by G.
Molecular consequence: non-coding transcript variant (on NR_187577.1).
Genome position (GRCh38, 1-based): chr7:30,027,105, T>C on the plus strand (A>G on the coding strand, the complement: FKBP14 is on the minus strand). VCF-style: chr7-30027105-T-C. GRCh37 (hg19) VCF-style: chr7-30066721-T-C.
Identifiers: ClinVar variation 671854 (VCV000671854.3), dbSNP rs77573184, ClinGen allele CA156005864.

ClinVar aggregate classification (germline): Likely benign (1 of 4 stars; one submission).

Allele frequency attached by ClinVar (database versions not stated): TOPMed 0.01928; 1000 Genomes Project 30x 0.04763; 1000 Genomes Project 0.05192; gnomAD 0.01505 and 0.01794.

Submission:

GeneDx
Classification: Likely benign. Last evaluated: 2018-06-19. Review status: criteria provided, single submitter. Criteria: GeneDx Variant Classification (06012015). Collection method: clinical testing. Allele origin: germline. Affected: yes.
Comment: This variant is considered likely benign or benign based on one or more of the following criteria: it is a conservative change, it occurs at a poorly conserved position in the protein, it is predicted to be benign by multiple in silico algorithms, and/or has population frequency not consistent with disease.